The following is an entry in ClinVar:

ClinVar aggregate classification (germline): Likely benign. Review status: criteria provided, multiple submitters, no conflicts (2 of 4 stars). 2 submissions from 2 submitters: Likely benign (2). Last evaluated 2025-12-09.

Conditions:
Autosomal recessive limb-girdle muscular dystrophy type 2J (LGMDR10). Also called: Limb-girdle muscular dystrophy, type 2J; MUSCULAR DYSTROPHY, LIMB-GIRDLE, AUTOSOMAL RECESSIVE 10. Identifiers: Orphanet 140922, MedGen C1837342, MONDO:0012127, OMIM 608807.
Dilated cardiomyopathy 1G (CMD1G). Identifiers: Orphanet 154, MedGen C1858763, MONDO:0011400, OMIM 604145.

Allele frequency attached by ClinVar (database versions not stated): gnomAD exomes below 0.00001; gnomAD 0.00003 and 0.00004; TOPMed 0.00004.
gnomAD v4.1: 7 of 1,613,626 alleles (0.00043%); highest among the groups gnomAD compares: African/African-American, 0.008%; no homozygotes.

Submissions (2):

Labcorp Genetics (formerly Invitae), Labcorp
Classification: Likely benign for Dilated cardiomyopathy 1G; Autosomal recessive limb-girdle muscular dystrophy type 2J. Last evaluated: 2025-12-09. Review status: criteria provided, single submitter. Criteria: Invitae Variant Classification Sherloc (09022015). Collection method: clinical testing. Allele origin: germline.

Mayo Clinic Laboratories, Mayo Clinic
Classification: Likely benign. Last evaluated: 2025-10-23. Review status: criteria provided, single submitter. Criteria: ACMG Guidelines, 2015. Collection method: clinical testing. Allele origin: germline. Observed: 1 variant allele.
Comment: BP4, BP7

NM_001267550.2(TTN):c.16989T>C (p.Thr5663=)

Genes: TTN (titin; minus strand), LOC126806431 (CDK7 strongly-dependent group 2 enhancer GRCh37_chr2:179595719-179596918; plus strand). Cytogenetic location: 2q31.2.
Variant type: single nucleotide variant.
Coding change: c.16989T>C on transcript NM_001267550.2 (MANE Select); coding-DNA position 16989, T replaced by C.
Protein change: p.Thr5663=; no amino-acid change (threonine 5663 retained).
Molecular consequence: synonymous variant. On other transcripts: intron variant (3).
Genome position (GRCh38, 1-based): chr2:178,731,886, A>G on the plus strand (T>C on the coding strand, the complement: TTN is on the minus strand). VCF-style: chr2-178731886-A-G. GRCh37 (hg19) VCF-style: chr2-179596613-A-G.
Other names: p.Thr5346=; c.16038T>C, p.Thr5346= (NM_001256850.1); c.13257T>C, p.Thr4419= (NM_133378.4); c.13282+6196T>C (NM_003319.4); c.13858+6196T>C (NM_133437.4); c.13657+6196T>C (NM_133432.3).
Identifiers: ClinVar variation 535710 (VCV000535710.13), dbSNP rs879099217, ClinGen allele CA60979355.
Genomic context (GRCh38, chr2:178,731,886, plus strand): 5'-ATACTTTCTACCACTTCGCAGGATTGTGTTATCTTTGAACCAAGTGATCTCAAAGGGAGG[A>G]GTGCCTGCCACCTCAGCCAGCAACATGACATCGTACTCCTTTAAGACTTCAATTGGCTTA-3'
Protein context (NP_001254479.2, residues 5653-5673): DVMLLAEVAG[Thr5663=]PPFEITWFKD